The following is an entry in ClinVar:

ClinVar aggregate classification (germline): Uncertain significance (1 of 4 stars; one submission).

gnomAD v4.1: 27 of 1,613,996 alleles (0.0017%); highest among the groups gnomAD compares: Non-Finnish European, 0.0021%; no homozygotes.

Submission:

Labcorp Genetics (formerly Invitae), Labcorp
Classification: Uncertain significance. Last evaluated: 2024-08-07. Review status: criteria provided, single submitter. Criteria: Invitae Variant Classification Sherloc (09022015). Collection method: clinical testing. Allele origin: germline.
Comment: This sequence change replaces valine, which is neutral and non-polar, with isoleucine, which is neutral and non-polar, at codon 164 of the TRIP13 protein (p.Val164Ile). This variant is present in population databases (rs148584179, gnomAD 0.007%). This variant has not been reported in the literature in individuals affected with TRIP13-related conditions. An algorithm developed to predict the effect of missense changes on protein structure and function (PolyPhen-2) suggests that this variant is likely to be tolerated. In summary, the available evidence is currently insufficient to determine the role of this variant in disease. Therefore, it has been classified as a Variant of Uncertain Significance.

NM_004237.4(TRIP13):c.490G>A (p.Val164Ile)

Gene: TRIP13 (thyroid hormone receptor interactor 13; plus strand). Cytogenetic location: 5p15.33.
Variant type: single nucleotide variant.
Coding change: c.490G>A on transcript NM_004237.4 (MANE Select); coding-DNA position 490, G replaced by A.
Protein change: p.Val164Ile; replaces valine 164 with isoleucine.
Molecular consequence: missense variant.
Genome position (GRCh38, 1-based): chr5:901,386, G>A. VCF-style: chr5-901386-G-A. GRCh37 (hg19) VCF-style: chr5-901501-G-A.
Other names: c.490G>A, p.Val164Ile (NM_001166260.2); short protein forms V164I.
Identifiers: ClinVar variation 3668542 (VCV003668542.2).